The following is an entry in ClinVar:

NM_201384.3(PLEC):c.8443G>A (p.Val2815Ile)

Gene: PLEC (plectin; minus strand). Cytogenetic location: 8q24.3.
Variant type: single nucleotide variant.
Coding change: c.8443G>A on transcript NM_201384.3 (MANE Select); coding-DNA position 8443, G replaced by A.
Protein change: p.Val2815Ile; replaces valine 2815 with isoleucine.
Molecular consequence: missense variant.
Genome position (GRCh38, 1-based): chr8:143,921,378, C>T on the plus strand (G>A on the coding strand, the complement: PLEC is on the minus strand). VCF-style: chr8-143921378-C-T. GRCh37 (hg19) VCF-style: chr8-144995546-C-T.
Other names: c.8524G>A, p.Val2842Ile (NM_000445.5); c.8401G>A, p.Val2801Ile (NM_201378.4); c.8377G>A, p.Val2793Ile (NM_201379.3); c.8854G>A, p.Val2952Ile (NM_201380.4); c.8347G>A, p.Val2783Ile (NM_201381.3); c.8443G>A, p.Val2815Ile (NM_201382.4); c.8455G>A, p.Val2819Ile (NM_201383.3); short protein forms V2793I, V2783I, V2842I, V2952I, V2801I, V2815I, V2819I.
Identifiers: ClinVar variation 859222 (VCV000859222.12), dbSNP rs374195278, ClinGen allele CA4925308.

ClinVar aggregate classification (germline): Uncertain significance. Review status: criteria provided, multiple submitters, no conflicts (2 of 4 stars). 4 submissions from 4 submitters: Uncertain significance (4). Last evaluated 2026-05-08.

Conditions:
PLEC-related disorder. Also called: PLEC-related condition; PLEC-related disorders.
Autosomal recessive limb-girdle muscular dystrophy type 2Q (LGMDR17). Also called: MUSCULAR DYSTROPHY, LIMB-GIRDLE, AUTOSOMAL RECESSIVE 17. Identifiers: Orphanet 254361, MedGen C3150989, MONDO:0013390, OMIM 613723.
Epidermolysis bullosa simplex, Ogna type (EBS5A). Also called: Pidermolysis bullosa simplex 5A, Ogna type; EPIDERMOLYSIS BULLOSA SIMPLEX 5A, OGNA TYPE. Identifiers: Orphanet 79401, MedGen C0432317, MONDO:0007555, OMIM 131950.
Epidermolysis bullosa simplex with nail dystrophy (EBS5D). Identifiers: MedGen C4225309, MONDO:0014661, OMIM 616487.
Epidermolysis bullosa simplex 5C, with pyloric atresia (EBS5C). Also called: PLEC-Related Epidermolysis Bullosa with Pyloric Atresia; Epidermolysis bullosa simplex with pyloric atresia; PLEC1-Related Epidermolysis Bullosa with Pyloric Atresia. Identifiers: Orphanet 158684, MedGen C2677349, MONDO:0012807, OMIM 612138.
Epidermolysis bullosa simplex 5B, with muscular dystrophy (EBS5B). Also called: EPIDERMOLYSIS BULLOSA SIMPLEX AND LIMB-GIRDLE MUSCULAR DYSTROPHY; Epidermolysis bullosa simplex with muscular dystrophy. Identifiers: Orphanet 257, MedGen C2931072, MONDO:0009181, OMIM 226670.

Allele frequency attached by ClinVar (database versions not stated): ESP Exome Variant Server 0.00008; gnomAD 0.00010; TOPMed 0.00016; 1000 Genomes Project 30x 0.00031.
gnomAD v4.1: 54 of 1,613,346 alleles (0.0033%); highest among the groups gnomAD compares: Admixed American, 0.022%; no homozygotes.

Submissions (4):

PreventionGenetics, part of Exact Sciences
Classification: Uncertain significance for PLEC-related condition. Last evaluated: 2026-05-08. Review status: criteria provided, single submitter. Criteria: ACMG Guidelines, 2015. Collection method: clinical testing. Allele origin: germline.
Comment: The PLEC c.8524G>A variant is predicted to result in the amino acid substitution p.Val2842Ile. To our knowledge, this variant has not been reported in the literature. This variant is reported in 0.031% of alleles in individuals of East Asian descent in gnomAD. At this time, the clinical significance of this variant is uncertain due to the absence of conclusive functional and genetic evidence.

Dasa
Classification: Uncertain significance. Last evaluated: 2026-03-03. Review status: criteria provided, single submitter. Criteria: DASA Assertion Criteria. Collection method: clinical testing. Allele origin: germline.
Comment: NM_201384.3(PLEC):c.8443G>A (p.Val2815Ile) is a missense variant that results in the substitution of valine with isoleucine. This variant is rare in population databases. Computational prediction algorithms are consistent with a benign effect. The currently available literature and clinical evidence are not sufficient to establish a definitive association between this variant and the reported condition. Therefore, this variant is classified as a variant of uncertain significance.

Labcorp Genetics (formerly Invitae), Labcorp
Classification: Uncertain significance for Autosomal recessive limb-girdle muscular dystrophy type 2Q; Epidermolysis bullosa simplex, Ogna type; Epidermolysis bullosa simplex with nail dystrophy; Epidermolysis bullosa simplex 5C, with pyloric atresia; Epidermolysis bullosa simplex 5B, with muscular dystrophy. Last evaluated: 2025-07-07. Review status: criteria provided, single submitter. Criteria: Invitae Variant Classification Sherloc (09022015). Collection method: clinical testing. Allele origin: germline.
Comment: This sequence change replaces valine, which is neutral and non-polar, with isoleucine, which is neutral and non-polar, at codon 2842 of the PLEC protein (p.Val2842Ile). This variant is present in population databases (rs374195278, gnomAD 0.03%). This variant has not been reported in the literature in individuals affected with PLEC-related conditions. ClinVar contains an entry for this variant (Variation ID: 859222). An algorithm developed to predict the effect of missense changes on protein structure and function outputs the following: PolyPhen-2: "Benign". The isoleucine amino acid residue is found in multiple mammalian species, which suggests that this missense change does not adversely affect protein function. In summary, the available evidence is currently insufficient to determine the role of this variant in disease. Therefore, it has been classified as a Variant of Uncertain Significance.

Revvity Omics, Revvity
Classification: Uncertain significance. Last evaluated: 2021-05-26. Review status: criteria provided, single submitter. Criteria: ACMG Guidelines, 2015. Collection method: clinical testing. Allele origin: germline.